The following is an entry in ClinVar:

ClinVar aggregate classification (germline): Benign/Likely benign. Review status: criteria provided, multiple submitters, no conflicts (2 of 4 stars). 2 submissions from 2 submitters: Benign (1); Likely benign (1). Last evaluated 2026-07-02.

Conditions:
Sessile serrated polyposis cancer syndrome (SSPCS). Identifiers: Orphanet 157798, MedGen C4310714, MONDO:0014919, OMIM 617108.

gnomAD v4.1: 16 of 1,613,588 alleles (0.00099%); highest among the groups gnomAD compares: African/African-American, 0.0013%; no homozygotes.

Submissions (2):

Myriad Genetics, Inc.
Classification: Benign for Sessile serrated polyposis cancer syndrome. Last evaluated: 2026-07-02. Review status: criteria provided, single submitter. Criteria: Myriad Autosomal Dominant, Autosomal Recessive and X-Linked Classification Criteria (2023). Collection method: clinical testing. Allele origin: unknown.
Comment: This variant is considered benign. This variant is a silent/synonymous amino acid change and it is not expected to impact splicing.

Ambry Genetics
Classification: Likely benign. Last evaluated: 2025-02-11. Review status: criteria provided, single submitter. Criteria: Ambry Variant Classification Scheme 2023. Collection method: clinical testing. Allele origin: germline.

NM_017763.6(RNF43):c.2127G>A (p.Arg709=)

Gene: RNF43 (ring finger protein 43; minus strand). Cytogenetic location: 17q22.
Variant type: single nucleotide variant.
Coding change: c.2127G>A on transcript NM_017763.6 (MANE Select); coding-DNA position 2127, G replaced by A.
Protein change: p.Arg709=; no amino-acid change (arginine 709 retained).
Molecular consequence: synonymous variant.
Genome position (GRCh38, 1-based): chr17:58,357,649, C>T on the plus strand (G>A on the coding strand, the complement: RNF43 is on the minus strand). VCF-style: chr17-58357649-C-T. GRCh37 (hg19) VCF-style: chr17-56435010-C-T.
Other names: c.2127G>A, p.Arg709= (NM_001305544.3); c.1746G>A, p.Arg582= (NM_001305545.2).
Identifiers: ClinVar variation 3789939 (VCV003789939.2).
Genomic context (GRCh38, chr17:58,357,649, plus strand): 5'-CAGGCACAACCACACTGGCTGTGAATTTGAGTAACAGGGGCCTGGGGTTTCTGGTAGCAG[C>T]CTCTTGTCCAGGCCTGGAGGTCCACAGATCAAGGGGTGTGCCTCTGGGGACCAAGGATAT-3'
Protein context (NP_060233.3, residues 699-719): LICGPPGLDK[Arg709=]LLPETPGPCY